The following is an entry in ClinVar:

NM_031220.4(PITPNM3):c.2885G>A (p.Ser962Asn)

Gene: PITPNM3 (PITPNM family member 3; minus strand). Cytogenetic location: 17p13.2.
Variant type: single nucleotide variant.
Coding change: c.2885G>A on transcript NM_031220.4 (MANE Select); coding-DNA position 2885, G replaced by A.
Protein change: p.Ser962Asn; replaces serine 962 with asparagine.
Molecular consequence: missense variant.
Genome position (GRCh38, 1-based): chr17:6,455,378, C>T on the plus strand (G>A on the coding strand, the complement: PITPNM3 is on the minus strand). VCF-style: chr17-6455378-C-T. GRCh37 (hg19) VCF-style: chr17-6358698-C-T.
Other names: c.2777G>A, p.Ser926Asn (NM_001165966.2); short protein forms S926N, S962N.
Identifiers: ClinVar variation 2859883 (VCV002859883.3), dbSNP rs769088740, ClinGen allele CA8328995.

ClinVar aggregate classification (germline): Uncertain significance (1 of 4 stars; one submission).

Allele frequency attached by ClinVar (database versions not stated): ExAC 0.00001.
gnomAD v4.1: 49 of 1,590,858 alleles (0.0031%); highest among the groups gnomAD compares: Non-Finnish European, 0.0041%; no homozygotes.

Submission:

Labcorp Genetics (formerly Invitae), Labcorp
Classification: Uncertain significance. Last evaluated: 2025-05-12. Review status: criteria provided, single submitter. Criteria: Invitae Variant Classification Sherloc (09022015). Collection method: clinical testing. Allele origin: germline.
Comment: This sequence change replaces serine, which is neutral and polar, with asparagine, which is neutral and polar, at codon 962 of the PITPNM3 protein (p.Ser962Asn). The frequency data for this variant in the population databases is considered unreliable, as metrics indicate poor data quality at this position in the gnomAD database. This variant has not been reported in the literature in individuals affected with PITPNM3-related conditions. ClinVar contains an entry for this variant (Variation ID: 2859883). An algorithm developed to predict the effect of missense changes on protein structure and function (PolyPhen-2) suggests that this variant is likely to be tolerated. In summary, the available evidence is currently insufficient to determine the role of this variant in disease. Therefore, it has been classified as a Variant of Uncertain Significance.